The following is an entry in ClinVar:

NM_001401501.2(MUC16):c.32412G>C (p.Thr10804=)

Gene: MUC16 (mucin 16, cell surface associated; minus strand). Cytogenetic location: 19p13.2.
Variant type: single nucleotide variant.
Coding change: c.32412G>C on transcript NM_001401501.2 (MANE Select); coding-DNA position 32412, G replaced by C.
Protein change: p.Thr10804=; no amino-acid change (threonine 10804 retained).
Molecular consequence: synonymous variant.
Genome position (GRCh38, 1-based): chr19:8,938,663, C>G on the plus strand (G>C on the coding strand, the complement: MUC16 is on the minus strand). VCF-style: chr19-8938663-C-G. GRCh37 (hg19) VCF-style: chr19-9049339-C-G.
Other names: c.32838G>C, p.Thr10946= (NM_001414686.1); c.32292G>C, p.Thr10764= (NM_001414687.1, NM_024690.2).
Identifiers: ClinVar variation 3060939 (VCV003060939.2), dbSNP rs11883220, ClinGen allele CA9166683.

ClinVar aggregate classification (germline): Benign (0 of 4 stars; one submission).

Conditions:
MUC16-related disorder. Also called: MUC16-related condition.

Allele frequency attached by ClinVar (database versions not stated): 1000 Genomes Project 30x 0.39241; 1000 Genomes Project 0.39577; ESP Exome Variant Server 0.43097; TOPMed 0.43180.

Submission:

PreventionGenetics, part of Exact Sciences
Classification: Benign for MUC16-related condition. Last evaluated: 2024-06-26. Review status: no assertion criteria provided. Collection method: clinical testing. Allele origin: germline.
Comment: This variant is classified as benign based on ACMG/AMP sequence variant interpretation guidelines (Richards et al. 2015 PMID: 25741868, with internal and published modifications).